The following is an entry in ClinVar:

NM_001282663.2(MICAL2):c.1206+4C>T

Gene: MICAL2 (microtubule associated monooxygenase, calponin and LIM domain containing 2; plus strand). Cytogenetic location: 11p15.3.
Variant type: single nucleotide variant.
Coding change: c.1206+4C>T on transcript NM_001282663.2 (MANE Select); 4 bases into the intron after coding-DNA position 1206, C replaced by T.
Molecular consequence: intron variant.
Genome position (GRCh38, 1-based): chr11:12,220,462, C>T. VCF-style: chr11-12220462-C-T. GRCh37 (hg19) VCF-style: chr11-12242009-C-T.
Other names: c.1206+4C>T (NM_001393937.1, NM_001346293.2, NM_001346297.2 and 11 more transcripts).
Identifiers: ClinVar variation 2641609 (VCV002641609.24), dbSNP rs200883778, ClinGen allele CA5889359.

ClinVar aggregate classification (germline): Likely benign (1 of 4 stars; one submission).

Allele frequency attached by ClinVar (database versions not stated): gnomAD 0.00003; ExAC 0.00004; gnomAD exomes 0.00004; TOPMed 0.00006.
gnomAD v4.1: 69 of 1,605,876 alleles (0.0043%); highest among the groups gnomAD compares: Non-Finnish European, 0.00059%; no homozygotes.

Submission:

CeGaT Center for Human Genetics Tuebingen
Classification: Likely benign. Last evaluated: 2022-07-01. Review status: criteria provided, single submitter. Criteria: CeGaT Center For Human Genetics Tuebingen Variant Classification Criteria Version 2. Collection method: clinical testing. Allele origin: germline. Affected: yes. Observed: 1 variant allele.
Comment: MICAL2: BP4